The following is an entry in ClinVar:

ClinVar aggregate classification (germline): Benign/Likely benign. Review status: criteria provided, multiple submitters, no conflicts (2 of 4 stars). 7 submissions from 7 submitters: Benign (1); Likely benign (3). 3 of the submissions do not count toward it. Last evaluated 2026-05-13.

Conditions:
Thrombophilia, X-linked, due to factor 9 defect. Identifiers: MedGen C2749016, MONDO:0010432, OMIM 300807.
Hereditary factor IX deficiency disease (HEMB). Also called: Hemophilia B; Christmas Disease; F9 DEFICIENCY; FACTOR IX DEFICIENCY; PLASMA THROMBOPLASTIN COMPONENT DEFICIENCY. Identifiers: Orphanet 98879, MedGen C0008533, MeSH D002836, MONDO:0010604, OMIM 306900.
Warfarin sensitivity, X-linked. Also called: COUMARIN SENSITIVITY, X-LINKED. Identifiers: MedGen C5393318, OMIM 301052, MONDO:0026768.
F9-related disorder. Also called: F9-related condition.

Allele frequency attached by ClinVar (database versions not stated): gnomAD exomes 0.00034 and 0.00066; ExAC 0.00097; 1000 Genomes Project 30x 0.00208; 1000 Genomes Project 0.00238; gnomAD 0.00273 and 0.00294; ESP Exome Variant Server 0.00284; TOPMed 0.00310.
gnomAD v4.1: 678 of 1,210,187 alleles (0.056%); highest among the groups gnomAD compares: African/African-American, 1.1%; 3 homozygotes.

Submissions (7):

Women's Health and Genetics/Laboratory Corporation of America, LabCorp
Classification: Likely benign. Last evaluated: 2026-05-13. Review status: criteria provided, single submitter. Criteria: LabCorp Variant Classification Summary - May 2015. Collection method: clinical testing. Allele origin: germline.
Comment: Variant summary: F9 c.967G>A (p.Glu323Lys) results in a conservative amino acid change in the encoded protein sequence. Algorithms developed to predict the effect of missense changes on protein structure and function all suggest that this variant is likely to be tolerated. The variant allele was found at a frequency of 0.00066 in 183265 control chromosomes, predominantly at a frequency of 0.0087 within the African or African-American subpopulation in the gnomAD database. The observed variant frequency within African or African-American control individuals in the gnomAD database exceeds the estimated maximal expected allele frequency for disease-causing variants in F9. To our knowledge, no experimental evidence demonstrating its impact on protein function has been reported. ClinVar contains an entry for this variant (Variation ID: 695891). Based on the evidence outlined above, the variant was classified as likely benign.

Labcorp Genetics (formerly Invitae), Labcorp
Classification: Benign for Thrombophilia, X-linked, due to factor 9 defect; Hereditary factor IX deficiency disease. Last evaluated: 2026-01-31. Review status: criteria provided, single submitter. Criteria: Invitae Variant Classification Sherloc (09022015). Collection method: clinical testing. Allele origin: germline.

CeGaT Center for Human Genetics Tuebingen
Classification: Likely benign. Last evaluated: 2025-05-01. Review status: criteria provided, single submitter. Criteria: CeGaT Center For Human Genetics Tuebingen Variant Classification Criteria Version 2. Collection method: clinical testing. Allele origin: germline. Affected: yes. Observed: 1 variant allele.
Comment: F9: BP4, BS2

Fulgent Genetics
Classification: Likely benign for Thrombophilia, X-linked, due to factor 9 defect; Warfarin sensitivity, X-linked; Hereditary factor IX deficiency disease. Last evaluated: 2022-04-14. Review status: criteria provided, single submitter. Criteria: ACMG Guidelines, 2015. Collection method: clinical testing. Allele origin: unknown.

PreventionGenetics, part of Exact Sciences
Classification: Likely benign for F9-related condition. Last evaluated: 2022-03-04. Review status: no assertion criteria provided. Collection method: clinical testing. Allele origin: germline. Not counted in ClinVar's aggregate classification.
Comment: This variant is classified as likely benign based on ACMG/AMP sequence variant interpretation guidelines (Richards et al. 2015 PMID: 25741868, with internal and published modifications).

Natera, Inc.
Classification: Likely benign for Hemophilia B. Last evaluated: 2019-12-24. Review status: no assertion criteria provided. Collection method: clinical testing. Allele origin: germline. Not counted in ClinVar's aggregate classification.

Department of Pathology and Laboratory Medicine, Sinai Health System
Classification: Benign. Review status: no assertion criteria provided. Collection method: clinical testing. Allele origin: unknown. Affected: yes. Study: The Canadian Open Genetics Repository (COGR). Not counted in ClinVar's aggregate classification.
Comment: This variant was also reported in 1/3713 individuals with hemophilia B in the Factor IX Gene (F9) Variant Database. The variant was identified in dbSNP (ID: rs150351950), ClinVar (classified as benign by Invitae) and LOVD 3.0.The variant was identified in control databases in 175 of 205225 chromosomes (41 hemizygous) at a frequency of 0.0008527 increasing the likelihood this could be a low frequency benign variant (Genome Aggregation Database March 6, 2019, v2.1.1). The variant was observed in the following populations: African in 168 of 19054 chromosomes (freq: 0.008817), Latino in 6 of 28025 chromosomes (freq: 0.000214) and East Asian in 1 of 14860 chromosomes (freq: 0.000067), but was not observed in the Ashkenazi Jewish, European (Finnish), European (non-Finnish), Other, and South Asian populations. The p.Glu323 residue is not conserved in mammals and computational analyses (PolyPhen-2, SIFT, AlignGVGD, BLOSUM, MutationTaster) do not suggest a high likelihood of impact to the protein; however, this information is not predictive enough to rule out pathogenicity. The variant occurs outside of the splicing consensus sequence and in silico or computational prediction software programs (SpliceSiteFinder, MaxEntScan, NNSPLICE, GeneSplicer) do not predict a difference in splicing. In summary, based on the above information this variant meets our laboratory's criteria to be classified as benign.

NM_000133.4(F9):c.967G>A (p.Glu323Lys)

Gene: F9 (coagulation factor IX; plus strand). Cytogenetic location: Xq27.1.
Variant type: single nucleotide variant.
Coding change: c.967G>A on transcript NM_000133.4 (MANE Select); coding-DNA position 967, G replaced by A.
Protein change: p.Glu323Lys; replaces glutamic acid 323 with lysine.
Molecular consequence: missense variant.
Genome position (GRCh38, 1-based): chrX:139,561,652, G>A. VCF-style: chrX-139561652-G-A. GRCh37 (hg19) VCF-style: chrX-138643811-G-A.
Other names: c.853G>A, p.Glu285Lys (NM_001313913.2); short protein forms E323K, E285K.
Identifiers: ClinVar variation 695891 (VCV000695891.27), dbSNP rs150351950, ClinGen allele CA10529860.